The following is an entry in ClinVar:

NM_000238.4(KCNH2):c.1720A>G (p.Met574Val)

Gene: KCNH2 (potassium voltage-gated channel subfamily H member 2; minus strand). Cytogenetic location: 7q36.1.
Variant type: single nucleotide variant.
Coding change: c.1720A>G on transcript NM_000238.4 (MANE Select); coding-DNA position 1720, A replaced by G.
Protein change: p.Met574Val; replaces methionine 574 with valine.
Molecular consequence: missense variant.
Genome position (GRCh38, 1-based): chr7:150,951,673, T>C on the plus strand (A>G on the coding strand, the complement: KCNH2 is on the minus strand). VCF-style: chr7-150951673-T-C. GRCh37 (hg19) VCF-style: chr7-150648761-T-C.
Other names: c.1720A>G (LRG_288t1, NM_000238.2); c.700A>G, p.Met234Val (NM_001204798.2, NM_172057.3); c.1432A>G, p.Met478Val (NM_001406753.1, NM_001406756.1); c.1543A>G, p.Met515Val (NM_001406755.1); c.1420A>G, p.Met474Val (NM_001406757.1); c.1720A>G, p.Met574Val (NM_172056.3); short protein forms M234V, M574V, M515V, M478V, M474V.
Identifiers: ClinVar variation 67252 (VCV000067252.7), dbSNP rs199473667, ClinGen allele CA005280.

ClinVar aggregate classification (germline): Uncertain significance. Review status: criteria provided, multiple submitters, no conflicts (2 of 4 stars). 3 submissions from 3 submitters: Uncertain significance (2). 1 of the submissions does not count toward it. Last evaluated 2024-05-30.

Conditions:
Familial long QT syndrome (RWS). Also called: Congenital long QT syndrome; Romano-Ward syndrome; VENTRICULAR FIBRILLATION WITH PROLONGED QT INTERVAL. Identifiers: Orphanet 768, MedGen C1141890, MONDO:0019171.
Long QT syndrome (LQTS). Identifiers: MedGen C0023976, MeSH D008133, MONDO:0002442. Disease mechanism: loss of function. Inheritance: Various modes of inheritance.

Allele frequency attached by ClinVar (database versions not stated): TOPMed below 0.00001.
gnomAD v4.1: 2 of 1,614,204 alleles (0.00012%); highest among the groups gnomAD compares: East Asian, 0.0022%; no homozygotes.

Submissions (3):

GeneDx
Classification: Uncertain significance. Last evaluated: 2024-05-30. Review status: criteria provided, single submitter. Criteria: GeneDx Variant Classification Process June 2021. Collection method: clinical testing. Allele origin: germline. Affected: yes.
Comment: Not observed at significant frequency in large population cohorts (gnomAD); In silico analysis indicates that this missense variant does not alter protein structure/function; Reported in association with long QT syndrome (LQTS) in published literature (PMID: 17088455, 18441445); This variant is associated with the following publications: (PMID: 18441445, 17088455)

Labcorp Genetics (formerly Invitae), Labcorp
Classification: Uncertain significance for Long QT syndrome. Last evaluated: 2023-04-12. Review status: criteria provided, single submitter. Criteria: Invitae Variant Classification Sherloc (09022015). Collection method: clinical testing. Allele origin: germline.
Comment: An algorithm developed to predict the effect of missense changes on protein structure and function (PolyPhen-2) suggests that this variant is likely to be tolerated. In summary, the available evidence is currently insufficient to determine the role of this variant in disease. Therefore, it has been classified as a Variant of Uncertain Significance. ClinVar contains an entry for this variant (Variation ID: 67252). This missense change has been observed in individuals with clinical features of long QT syndrome (PMID: 17088455, 18441445; Invitae). This variant is not present in population databases (gnomAD no frequency). This sequence change replaces methionine, which is neutral and non-polar, with valine, which is neutral and non-polar, at codon 574 of the KCNH2 protein (p.Met574Val).

Cardiovascular Biomedical Research Unit, Royal Brompton & Harefield NHS Foundation Trust
No classification provided. Condition: Familial long QT syndrome. Review status: no classification provided. Collection method: literature only. Allele origin: germline. Not counted in ClinVar's aggregate classification.
Comment: This variant has been reported as associated with Long QT syndrome in the following publications (PMID:18441445). This is a literature report, and does not necessarily reflect the clinical interpretation of the Imperial College / Royal Brompton Cardiovascular Genetics laboratory.

Literature cited by the submitters: PubMed 17088455 (cited by Labcorp Genetics (formerly Invitae), Labcorp); PubMed 18441445 (cited by Labcorp Genetics (formerly Invitae), Labcorp and Cardiovascular Biomedical Research Unit, Royal Brompton & Harefield NHS Foundation Trust); PubMed 22581653 (cited by Cardiovascular Biomedical Research Unit, Royal Brompton & Harefield NHS Foundation Trust).